The following is an entry in ClinVar:

NM_194248.3(OTOF):c.553C>T (p.Arg185Trp)

Genes: OTOF (otoferlin; minus strand), LOC129933336 (ATAC-STARR-seq lymphoblastoid silent region 11274; plus strand). Cytogenetic location: 2p23.3.
Variant type: single nucleotide variant.
Coding change: c.553C>T on transcript NM_194248.3 (MANE Select); coding-DNA position 553, C replaced by T.
Protein change: p.Arg185Trp; replaces arginine 185 with tryptophan.
Molecular consequence: missense variant.
Genome position (GRCh38, 1-based): chr2:26,503,802, G>A on the plus strand (C>T on the coding strand, the complement: OTOF is on the minus strand). VCF-style: chr2-26503802-G-A. GRCh37 (hg19) VCF-style: chr2-26726670-G-A.
Other names: c.553C>T, p.Arg185Trp (NM_001287489.2); short protein forms R185W.
Identifiers: ClinVar variation 1363967 (VCV001363967.5), dbSNP rs769272439, ClinGen allele CA1564607.

ClinVar aggregate classification (germline): Uncertain significance (1 of 4 stars; one submission).

Allele frequency attached by ClinVar (database versions not stated): gnomAD exomes below 0.00001; TOPMed 0.00001; ExAC 0.00001.
gnomAD v4.1: 1 of 1,614,100 alleles (0.000062%); highest among the groups gnomAD compares: Non-Finnish European, 0.000085%; no homozygotes.

Submission:

Labcorp Genetics (formerly Invitae), Labcorp
Classification: Uncertain significance. Last evaluated: 2021-09-02. Review status: criteria provided, single submitter. Criteria: Invitae Variant Classification Sherloc (09022015). Collection method: clinical testing. Allele origin: germline.
Comment: This sequence change replaces arginine with tryptophan at codon 185 of the OTOF protein (p.Arg185Trp). The arginine residue is highly conserved and there is a moderate physicochemical difference between arginine and tryptophan. This variant is present in population databases (rs769272439, ExAC 0.001%). This variant has not been reported in the literature in individuals affected with OTOF-related conditions. Algorithms developed to predict the effect of missense changes on protein structure and function are either unavailable or do not agree on the potential impact of this missense change (SIFT: "Deleterious"; PolyPhen-2: "Probably Damaging"; Align-GVGD: "Class C0"). In summary, the available evidence is currently insufficient to determine the role of this variant in disease. Therefore, it has been classified as a Variant of Uncertain Significance.